The following is an entry in ClinVar:

NM_198578.4(LRRK2):c.6903G>A (p.Met2301Ile)

Gene: LRRK2 (leucine rich repeat kinase 2; plus strand). Cytogenetic location: 12q12.
Variant type: single nucleotide variant.
Coding change: c.6903G>A on transcript NM_198578.4 (MANE Select); coding-DNA position 6903, G replaced by A.
Protein change: p.Met2301Ile; replaces methionine 2301 with isoleucine.
Molecular consequence: missense variant.
Genome position (GRCh38, 1-based): chr12:40,359,319, G>A. VCF-style: chr12-40359319-G-A. GRCh37 (hg19) VCF-style: chr12-40753121-G-A.
Other names: short protein forms M2301I.
Identifiers: ClinVar variation 2684262 (VCV002684262.2), dbSNP rs2500012137, ClinGen allele CA384411568.

ClinVar aggregate classification (germline): Uncertain significance. Review status: criteria provided, multiple submitters, no conflicts (2 of 4 stars). 2 submissions from 2 submitters: Uncertain significance (2). Last evaluated 2024-03-13.

Conditions:
Autosomal dominant Parkinson disease 8. Also called: LRRK2-Related Parkinson Disease; Parkinson disease 8; Parkinson disease 8, susceptibility to. Identifiers: Orphanet 411602, MedGen C1846862, MONDO:0011764, OMIM 607060.

Submissions (2):

Fulgent Genetics
Classification: Uncertain significance for Autosomal dominant Parkinson disease 8. Last evaluated: 2024-03-13. Review status: criteria provided, single submitter. Criteria: ACMG Guidelines, 2015. Collection method: clinical testing. Allele origin: germline.

Athena Diagnostics
Classification: Uncertain significance. Last evaluated: 2023-09-14. Review status: criteria provided, single submitter. Criteria: Athena Diagnostics Criteria. Collection method: clinical testing. Allele origin: unknown.
Comment: Available data are insufficient to determine the clinical significance of the variant at this time. This variant has not been reported in large, multi-ethnic general populations. The variant is located in a region that is considered important for protein function and/or structure.